The following is an entry in ClinVar:

NM_001378778.1(MPDZ):c.3542T>C (p.Val1181Ala)

Gene: MPDZ (multiple PDZ domain crumbs cell polarity complex component; minus strand). Cytogenetic location: 9p23.
Variant type: single nucleotide variant.
Coding change: c.3542T>C on transcript NM_001378778.1 (MANE Select); coding-DNA position 3542, T replaced by C.
Protein change: p.Val1181Ala; replaces valine 1181 with alanine.
Molecular consequence: missense variant.
Genome position (GRCh38, 1-based): chr9:13,150,599, A>G on the plus strand (T>C on the coding strand, the complement: MPDZ is on the minus strand). VCF-style: chr9-13150599-A-G. GRCh37 (hg19) VCF-style: chr9-13150598-A-G.
Other names: c.3542T>C, p.Val1181Ala (NM_001261406.2, NM_001261407.2, NM_001330637.2 and 13 more transcripts); c.3344T>C, p.Val1115Ala (NM_001375427.1); c.3542T>C (NM_003829.3); short protein forms V1115A, V1181A.
Identifiers: ClinVar variation 1468924 (VCV001468924.7), dbSNP rs1016436703, ClinGen allele CA189310127.

ClinVar aggregate classification (germline): Uncertain significance. Review status: criteria provided, multiple submitters, no conflicts (2 of 4 stars). 2 submissions from 2 submitters: Uncertain significance (2). Last evaluated 2025-02-22.

Conditions:
Inborn genetic diseases. Identifiers: MedGen C0950123, MeSH D030342.

Allele frequency attached by ClinVar (database versions not stated): gnomAD exomes 0.00002; TOPMed 0.00004; gnomAD 0.00005.
gnomAD v4.1: 28 of 1,556,532 alleles (0.0018%); highest among the groups gnomAD compares: African/African-American, 0.0069%; no homozygotes.

Submissions (2):

Ambry Genetics
Classification: Uncertain significance for Inborn genetic diseases. Last evaluated: 2025-02-22. Review status: criteria provided, single submitter. Criteria: Ambry Variant Classification Scheme 2023. Collection method: clinical testing. Allele origin: germline.

Labcorp Genetics (formerly Invitae), Labcorp
Classification: Uncertain significance. Last evaluated: 2021-11-19. Review status: criteria provided, single submitter. Criteria: Invitae Variant Classification Sherloc (09022015). Collection method: clinical testing. Allele origin: germline.
Comment: Algorithms developed to predict the effect of missense changes on protein structure and function (SIFT, PolyPhen-2, Align-GVGD) all suggest that this variant is likely to be disruptive. In summary, the available evidence is currently insufficient to determine the role of this variant in disease. Therefore, it has been classified as a Variant of Uncertain Significance. This variant has not been reported in the literature in individuals affected with MPDZ-related conditions. This sequence change replaces valine, which is neutral and non-polar, with alanine, which is neutral and non-polar, at codon 1181 of the MPDZ protein (p.Val1181Ala). This variant is not present in population databases (gnomAD no frequency).